The following is an entry in ClinVar:

NM_020547.3(AMHR2):c.695T>G (p.Phe232Cys)

Gene: AMHR2 (anti-Mullerian hormone receptor type 2; plus strand). Cytogenetic location: 12q13.13.
Variant type: single nucleotide variant.
Coding change: c.695T>G on transcript NM_020547.3 (MANE Select); coding-DNA position 695, T replaced by G.
Protein change: p.Phe232Cys; replaces phenylalanine 232 with cysteine.
Molecular consequence: missense variant.
Genome position (GRCh38, 1-based): chr12:53,425,762, T>G. VCF-style: chr12-53425762-T-G. GRCh37 (hg19) VCF-style: chr12-53819546-T-G.
Other names: c.695T>G, p.Phe232Cys (NM_001164690.2, NM_001164691.2); short protein forms F232C.
Identifiers: ClinVar variation 2988680 (VCV002988680.3), dbSNP rs770410518, ClinGen allele CA6600424.

ClinVar aggregate classification (germline): Uncertain significance (1 of 4 stars; one submission).

Allele frequency attached by ClinVar (database versions not stated): ExAC 0.00001; gnomAD 0.00001; TOPMed 0.00002; gnomAD exomes 0.00004.
gnomAD v4.1: 54 of 1,613,890 alleles (0.0033%); highest among the groups gnomAD compares: Non-Finnish European, 0.0044%; no homozygotes.

Submission:

Labcorp Genetics (formerly Invitae), Labcorp
Classification: Uncertain significance. Last evaluated: 2023-06-14. Review status: criteria provided, single submitter. Criteria: Invitae Variant Classification Sherloc (09022015). Collection method: clinical testing. Allele origin: germline.
Comment: In summary, the available evidence is currently insufficient to determine the role of this variant in disease. Therefore, it has been classified as a Variant of Uncertain Significance. This sequence change replaces phenylalanine, which is neutral and non-polar, with cysteine, which is neutral and slightly polar, at codon 232 of the AMHR2 protein (p.Phe232Cys). This variant is present in population databases (rs770410518, gnomAD 0.003%). This missense change has been observed in individual(s) with clinical features of persistent Mullerian duct syndrome (Invitae). In at least one individual the data is consistent with being in trans (on the opposite chromosome) from a pathogenic variant. Advanced modeling of protein sequence and biophysical properties (such as structural, functional, and spatial information, amino acid conservation, physicochemical variation, residue mobility, and thermodynamic stability) performed at Invitae indicates that this missense variant is not expected to disrupt AMHR2 protein function.